The following is an entry in ClinVar:

NM_002109.6(HARS1):c.205C>T (p.Gln69Ter)

Gene: HARS1 (histidyl-tRNA synthetase 1; minus strand). Cytogenetic location: 5q31.3.
Variant type: single nucleotide variant.
Coding change: c.205C>T on transcript NM_002109.6 (MANE Select); coding-DNA position 205, C replaced by T.
Protein change: p.Gln69Ter; replaces glutamine 69 with a stop codon.
Molecular consequence: nonsense. On other transcripts: intron variant (3).
Genome position (GRCh38, 1-based): chr5:140,683,195, G>A on the plus strand (C>T on the coding strand, the complement: HARS1 is on the minus strand). VCF-style: chr5-140683195-G-A. GRCh37 (hg19) VCF-style: chr5-140062780-G-A.
Other names: c.205C>T, p.Gln69Ter (NM_001258041.3, NM_001289092.2); c.118C>T, p.Gln40Ter (NM_001289094.2); c.181-5180C>T (NM_001289093.2); c.181-3312C>T (NM_001258042.3, NM_001258040.3); short protein forms Q40*, Q69*.
Identifiers: ClinVar variation 1680365 (VCV001680365.6), dbSNP rs906500515, ClinGen allele CA361259303.

ClinVar aggregate classification (germline): Uncertain significance (1 of 4 stars; one submission).

Conditions:
Usher syndrome type 3B. Also called: USHER SYNDROME, TYPE IIIB. Identifiers: MedGen C3281066, MONDO:0013788, OMIM 614504.

Submission:

Labcorp Genetics (formerly Invitae), Labcorp
Classification: Uncertain significance for Usher syndrome type 3B. Last evaluated: 2022-06-20. Review status: criteria provided, single submitter. Criteria: Invitae Variant Classification Sherloc (09022015). Collection method: clinical testing. Allele origin: germline.
Comment: In summary, the available evidence is currently insufficient to determine the role of this variant in disease. Therefore, it has been classified as a Variant of Uncertain Significance. Algorithms developed to predict the effect of sequence changes on RNA splicing suggest that this variant may create or strengthen a splice site. This variant has not been reported in the literature in individuals affected with HARS-related conditions. This variant is not present in population databases (gnomAD no frequency). This sequence change creates a premature translational stop signal (p.Gln69*) in the HARS gene. It is expected to result in an absent or disrupted protein product. However, the current clinical and genetic evidence is not sufficient to establish whether loss-of-function variants in HARS cause disease.